The following is an entry in ClinVar:

NM_000038.6(APC):c.518C>G (p.Pro173Arg)

Gene: APC (APC regulator of Wnt signaling pathway; plus strand). Cytogenetic location: 5q22.2.
Variant type: single nucleotide variant.
Coding change: c.518C>G on transcript NM_000038.6 (MANE Select); coding-DNA position 518, C replaced by G.
Protein change: p.Pro173Arg; replaces proline 173 with arginine.
Molecular consequence: missense variant. On other transcripts: 5 prime UTR variant (4), non-coding transcript variant (2).
Genome position (GRCh38, 1-based): chr5:112,775,724, C>G. VCF-style: chr5-112775724-C-G. GRCh37 (hg19) VCF-style: chr5-112111421-C-G.
Other names: c.518C>G, p.Pro173Arg (NM_001127510.3, NM_001354895.2, NM_001354896.2 and 16 more transcripts); c.548C>G, p.Pro183Arg (NM_001127511.3, NM_001354897.2, NM_001354902.2 and 1 more transcripts); c.443C>G, p.Pro148Arg (NM_001354898.2, NM_001354904.2, NM_001407451.1); c.341C>G, p.Pro114Arg (NM_001354900.2, NM_001354901.2, NM_001354905.2 and 1 more transcripts); c.-518C>G (NM_001354906.2, NM_001407470.1, NM_001407471.1 and 1 more transcripts); short protein forms P148R, P173R, P114R, P183R.
Identifiers: ClinVar variation 3412625 (VCV003412625.1).

ClinVar aggregate classification (germline): Uncertain significance (1 of 4 stars; one submission).

Conditions:
Hereditary cancer-predisposing syndrome. Also called: Neoplastic Syndromes, Hereditary; Tumor predisposition; Hereditary Cancer Syndrome; Hereditary neoplastic syndrome. Identifiers: Orphanet 140162, MedGen C0027672, MeSH D009386, MONDO:0015356.

Submission:

Ambry Genetics
Classification: Uncertain significance for Hereditary cancer-predisposing syndrome. Last evaluated: 2024-11-28. Review status: criteria provided, single submitter. Criteria: Ambry Variant Classification Scheme 2023. Collection method: clinical testing. Allele origin: germline.
Comment: The p.P173R variant (also known as c.518C>G), located in coding exon 4 of the APC gene, results from a C to G substitution at nucleotide position 518. The proline at codon 173 is replaced by arginine, an amino acid with dissimilar properties. This amino acid position is conserved. In addition, in silico predictors for this gene do not accurately predict pathogenicity. Based on the available evidence, the clinical significance of this variant remains unclear.